The following is an entry in ClinVar:

ClinVar aggregate classification (germline): Pathogenic. Review status: reviewed by expert panel (3 of 4 stars). 11 submissions from 11 submitters: Pathogenic (1). 10 of the submissions do not count toward it. Last evaluated 2016-09-08.

Conditions:
Hereditary cancer-predisposing syndrome. Also called: Tumor predisposition; Neoplastic Syndromes, Hereditary; Hereditary Cancer Syndrome; Hereditary neoplastic syndrome. Identifiers: Orphanet 140162, MedGen C0027672, MeSH D009386, MONDO:0015356.
Hereditary breast ovarian cancer syndrome. Also called: Hereditary breast and ovarian cancer syndrome (HBOC); Hereditary breast and ovarian cancer syndrome; Hereditary breast and ovarian cancer; Hereditary breast and/or ovarian cancer syndrome; Breast and ovarian cancer; BRCA1- and BRCA2-Associated Hereditary Breast and Ovarian Cancer. Identifiers: Orphanet 145, MedGen C0677776, MeSH D061325, MONDO:0003582. Disease mechanism: loss of function.
Breast-ovarian cancer, familial, susceptibility to, 1 (BROVCA1). Also called: OVARIAN CANCER, SUSCEPTIBILITY TO; BRCA1 Hereditary Breast and Ovarian Cancer. Identifiers: Orphanet 145, MedGen C2676676, MONDO:0011450, OMIM 604370. Disease mechanism: loss of function.

Submissions (11):

Evidence-based Network for the Interpretation of Germline Mutant Alleles (ENIGMA)
Classification: Pathogenic for Breast-ovarian cancer, familial, susceptibility to, 1. Last evaluated: 2016-09-08. Review status: reviewed by expert panel. Criteria: ENIGMA BRCA1/2 Classification Criteria (2015). Collection method: curation. Allele origin: germline.
Comment: Variant allele predicted to encode a truncated non-functional protein.

Ambry Genetics
Classification: Pathogenic for Hereditary cancer-predisposing syndrome. Last evaluated: 2023-05-31. Review status: criteria provided, single submitter. Criteria: Ambry Variant Classification Scheme 2023. Collection method: clinical testing. Allele origin: germline. Not counted in ClinVar's aggregate classification.
Comment: The p.S1130* pathogenic mutation (also known as c.3389C>G), located in coding exon 9 of the BRCA1 gene, results from a C to G substitution at nucleotide position 3389. This changes the amino acid from a serine to a stop codon within coding exon 9. This alteration has been reported in the literature in multiple cohorts of BRCA1/2 mutation positive families (Plummer SJ, Hum. Mol. Genet. 1995 Oct; 4(10):1989-91; Rebbeck TR et al. Hum. Mutat., 2018 05;39:593-620; Mehta A et al. Cancer Manag Res, 2018 Nov;10:6505-6516). In addition to the clinical data presented in the literature, this alteration is expected to result in loss of function by premature protein truncation or nonsense-mediated mRNA decay. As such, this alteration is interpreted as a disease-causing mutation.

Labcorp Genetics (formerly Invitae), Labcorp
Classification: Pathogenic for Hereditary breast ovarian cancer syndrome. Last evaluated: 2022-10-25. Review status: criteria provided, single submitter. Criteria: Invitae Variant Classification Sherloc (09022015). Collection method: clinical testing. Allele origin: germline. Not counted in ClinVar's aggregate classification.
Comment: This sequence change creates a premature translational stop signal (p.Ser1130*) in the BRCA1 gene. It is expected to result in an absent or disrupted protein product. Loss-of-function variants in BRCA1 are known to be pathogenic (PMID: 20104584). This variant is not present in population databases (gnomAD no frequency). This premature translational stop signal has been observed in individual(s) with breast and/or ovarian cancer (PMID: 29446198, 30555256). ClinVar contains an entry for this variant (Variation ID: 37528). For these reasons, this variant has been classified as Pathogenic.

Color Diagnostics, LLC DBA Color Health
Classification: Pathogenic for Hereditary cancer-predisposing syndrome. Last evaluated: 2019-08-22. Review status: criteria provided, single submitter. Criteria: ACMG Guidelines, 2015. Collection method: clinical testing. Allele origin: germline. Not counted in ClinVar's aggregate classification.
Comment: This variant changes 1 nucleotide in exon 10 of the BRCA1 gene, creating a premature translation stop signal. This variant is expected to result in an absent or non-functional protein product. Splice site prediction tools suggest that this variant may not impact RNA splicing. To our knowledge, functional studies have not been performed for this variant. This variant has been reported in individuals affected with breast and/or ovarian cancer (PMID: 20104584, 30555256). This variant has not been identified in the general population by the Genome Aggregation Database (gnomAD). Loss of BRCA1 function is a known mechanism of disease. Based on the available evidence, this variant is classified as Pathogenic.

GeneDx
Classification: Pathogenic. Last evaluated: 2017-11-29. Review status: criteria provided, single submitter. Criteria: GeneDx Variant Classification (06012015). Collection method: clinical testing. Allele origin: germline. Affected: yes. Not counted in ClinVar's aggregate classification.
Comment: This pathogenic variant is denoted BRCA1 c.3389C>G at the cDNA level and p.Ser1130Ter (S1130X) at the protein level. Using alternate nomenclature, this variant would be defined as BRCA1 3508C>G. The substitution creates a nonsense variant, which changes a Serine to a premature stop codon (TCA>TGA), and is predicted to cause loss of normal protein function through either protein truncation or nonsense-mediated mRNA decay. This variant has been reported in at least two individuals with hereditary breast and/or ovarian cancer and co-segregated with associated cancers in one of these families (Plummer 1995, Borg 2010). We consider variant to be pathogenic.

Quest Diagnostics Nichols Institute San Juan Capistrano
Classification: Pathogenic. Last evaluated: 2017-06-16. Review status: criteria provided, single submitter. Criteria: Quest Diagnostics criteria. Collection method: clinical testing. Allele origin: germline. Not counted in ClinVar's aggregate classification.

Consortium of Investigators of Modifiers of BRCA1/2 (CIMBA), c/o University of Cambridge
Classification: Pathogenic for Breast-ovarian cancer, familial, susceptibility to, 1. Last evaluated: 2015-10-02. Review status: criteria provided, single submitter. Criteria: CIMBA Mutation Classification guidelines May 2016. Collection method: clinical testing. Allele origin: germline. Not counted in ClinVar's aggregate classification.

BRCAlab, Lund University
Classification: Pathogenic for Breast-ovarian cancer, familial, susceptibility to, 1. Last evaluated: 2020-03-02. Review status: no assertion criteria provided. Collection method: clinical testing. Allele origin: germline. Affected: yes. Not counted in ClinVar's aggregate classification.

Research Molecular Genetics Laboratory, Women's College Hospital, University of Toronto
Classification: Pathogenic for Hereditary breast ovarian cancer syndrome. Last evaluated: 2014-01-31. Review status: no assertion criteria provided. Collection method: research. Allele origin: germline. Affected: yes. Study: The Canadian Open Genetics Repository (COGR). Not counted in ClinVar's aggregate classification.

Sharing Clinical Reports Project (SCRP)
Classification: Pathogenic for Breast-ovarian cancer, familial 1. Last evaluated: 2010-11-03. Review status: no assertion criteria provided. Collection method: clinical testing. Allele origin: germline. Not counted in ClinVar's aggregate classification.

Breast Cancer Information Core (BIC) (BRCA1)
Classification: Pathogenic for Breast-ovarian cancer, familial 1. Last evaluated: 2002-05-29. Review status: no assertion criteria provided. Collection method: clinical testing. Allele origin: germline. Affected: yes. Observed: 4 variant alleles. Not counted in ClinVar's aggregate classification.

Literature cited by the submitters: PubMed 25525159 (cited by Ambry Genetics); PubMed 29446198 (cited by Ambry Genetics and Labcorp Genetics (formerly Invitae), Labcorp); PubMed 30555256 (cited by Ambry Genetics and Labcorp Genetics (formerly Invitae), Labcorp); PubMed 8595428 (cited by Ambry Genetics and Quest Diagnostics Nichols Institute San Juan Capistrano); PubMed 20104584 (cited by Labcorp Genetics (formerly Invitae), Labcorp and Quest Diagnostics Nichols Institute San Juan Capistrano).

NM_007294.4(BRCA1):c.3389C>G (p.Ser1130Ter)

Genes: BRCA1 (BRCA1 DNA repair associated; minus strand), LOC126862571 (BRD4-independent group 4 enhancer GRCh37_chr17:41243136-41244335; plus strand). Cytogenetic location: 17q21.31.
Variant type: single nucleotide variant.
Coding change: c.3389C>G on transcript NM_007294.4 (MANE Select); coding-DNA position 3389, C replaced by G.
Protein change: p.Ser1130Ter; replaces serine 1130 with a stop codon.
Molecular consequence: nonsense. On other transcripts: intron variant (137).
Genome position (GRCh38, 1-based): chr17:43,092,142, G>C on the plus strand (C>G on the coding strand, the complement: BRCA1 is on the minus strand). VCF-style: chr17-43092142-G-C. GRCh37 (hg19) VCF-style: chr17-41244159-G-C.
Other names: 3508C>G; c.3266C>G, p.Ser1089Ter (NM_001407677.1, NM_001407678.1, NM_001407679.1 and 19 more transcripts); c.3389C>G, p.Ser1130Ter (NM_001407684.1, NM_001407854.1, NM_001407858.1 and 30 more transcripts); c.3263C>G, p.Ser1088Ter (NM_001407685.1, NM_001407686.1, NM_001407687.1 and 11 more transcripts); c.3248C>G, p.Ser1083Ter (NM_001407692.1, NM_001407694.1, NM_001407695.1 and 29 more transcripts); c.3245C>G, p.Ser1082Ter (NM_001407740.1, NM_001407741.1, NM_001407742.1 and 20 more transcripts); c.3176C>G, p.Ser1059Ter (NM_001407853.1, NM_001407894.1, NM_001407895.1 and 9 more transcripts); c.3386C>G, p.Ser1129Ter (NM_001407860.1, NM_001407861.1, NM_001407587.1 and 22 more transcripts); and 42 more; short protein forms S1130*, S1083*, S1103*, S1127*, S1018*, S1041*, S1042*, S1060*.
Identifiers: ClinVar variation 37528 (VCV000037528.18), dbSNP rs80357405, ClinGen allele CA002190.